The following is an entry in ClinVar:

NM_020774.4(MIB1):c.1740del (p.Val581fs)

Gene: MIB1 (MIB E3 ubiquitin protein ligase 1; plus strand). Cytogenetic location: 18q11.2.
Variant type: Deletion.
Coding change: c.1740del on transcript NM_020774.4 (MANE Select); coding-DNA position 1740, one base deleted (A; older notation c.1740delA).
Protein change: p.Val581fs; shifts the reading frame from valine 581.
Molecular consequence: frameshift variant.
Genome position (GRCh38, 1-based): chr18:21,819,557, A deleted. VCF-style (leftmost placement, unchanged base first): chr18-21819556-CA-C. GRCh37 (hg19) VCF-style: chr18-19399517-CA-C.
Other names: c.1740delA, p.Val581Phefs (NM_020774.3); c.1740del (NM_020774.3); short protein forms V581fs.
Identifiers: ClinVar variation 4888350 (VCV004888350.1).

ClinVar aggregate classification (germline): Likely pathogenic (1 of 4 stars; one submission).

Conditions:
Left ventricular noncompaction 7 (LVNC7). Identifiers: Orphanet 54260, MedGen C3554496, MONDO:0014042, OMIM 615092.

Submission:

New York Genome Center
Classification: Likely pathogenic for Left ventricular noncompaction 7. Last evaluated: 2023-12-15. Review status: criteria provided, single submitter. Criteria: NYGC Assertion Criteria 2020. Collection method: clinical testing. Allele origin: inherited. Observed: 1 variant allele, 1 heterozygote.
Comment: The heterozygous c.1740del variant is located in exon 12 of this 21-exon gene, predicted to alter the wild-type translational reading frame, and is expected to result in loss-of-function via nonsense-mediated decay (p.(Val581PhefsTer25)). The c.1740del variant has not been reported in the literature or public variant repositories (ClinVar and LOVD). The c.1740del variant is observed in 2 alleles (0.00012% minor allele frequency with 0 homozygotes) in the gnomAD database (gnomAD v4.0.0), suggesting it is not a common benign variant in the populations represented in that database. Based on available evidence this inherited c.1740del p.(Val581PhefsTer25) variant identified in MIB1 is classified as Likely Pathogenic.